The following is an entry in ClinVar:

ClinVar aggregate classification (germline): Uncertain significance (1 of 4 stars; one submission).

Conditions:
Mitochondrial complex II deficiency, nuclear type 1. Also called: SUCCINATE CoQ REDUCTASE DEFICIENCY. Identifiers: Orphanet 3208, MedGen C5700310, MONDO:0100294, OMIM 252011.
Pheochromocytoma/paraganglioma syndrome 5. Also called: Paragangliomas 5; SDHA-Related Hereditary Paraganglioma-Pheochromocytoma Syndrome. Identifiers: Orphanet 29072, MedGen C3279992, MONDO:0013602, OMIM 614165.

Submission:

Labcorp Genetics (formerly Invitae), Labcorp
Classification: Uncertain significance for Pheochromocytoma/paraganglioma syndrome 5; Mitochondrial complex II deficiency, nuclear type 1. Last evaluated: 2020-10-08. Review status: criteria provided, single submitter. Criteria: Invitae Variant Classification Sherloc (09022015). Collection method: clinical testing. Allele origin: germline.
Comment: This sequence change replaces serine with proline at codon 518 of the SDHA protein (p.Ser518Pro). The serine residue is weakly conserved and there is a moderate physicochemical difference between serine and proline. This variant is not present in population databases (ExAC no frequency). Algorithms developed to predict the effect of missense changes on protein structure and function are either unavailable or do not agree on the potential impact of this missense change (SIFT: "Deleterious"; PolyPhen-2: "Benign"; Align-GVGD: "Class C0"). This variant has not been reported in the literature in individuals with SDHA-related conditions. In summary, the available evidence is currently insufficient to determine the role of this variant in disease. Therefore, it has been classified as a Variant of Uncertain Significance.

NM_004168.4(SDHA):c.1552T>C (p.Ser518Pro)

Gene: SDHA (succinate dehydrogenase complex flavoprotein subunit A; plus strand). Cytogenetic location: 5p15.33.
Variant type: single nucleotide variant.
Coding change: c.1552T>C on transcript NM_004168.4 (MANE Select); coding-DNA position 1552, T replaced by C.
Protein change: p.Ser518Pro; replaces serine 518 with proline.
Molecular consequence: missense variant. On other transcripts: intron variant (1).
Genome position (GRCh38, 1-based): chr5:250,992, T>C. VCF-style: chr5-250992-T-C. GRCh37 (hg19) VCF-style: chr5-251107-T-C.
Other names: c.1408T>C, p.Ser470Pro (NM_001294332.2); c.1552-3401T>C (NM_001330758.2); short protein forms S470P, S518P.
Identifiers: ClinVar variation 1061793 (VCV001061793.9), dbSNP rs2126631929, ClinGen allele CA358998404.